The following is an entry in ClinVar:

ClinVar aggregate classification (germline): Uncertain significance. Review status: criteria provided, multiple submitters, no conflicts (2 of 4 stars). 5 submissions from 5 submitters: Uncertain significance (5). Last evaluated 2026-04-21.

Conditions:
INPP5E-related disorder. Also called: INPP5E-related condition.
MORM syndrome (MORMS). Identifiers: Orphanet 75858, MedGen C1857802, MONDO:0012423, OMIM 610156.
Joubert syndrome 1 (JBTS1). Also called: CEREBELLOPARENCHYMAL DISORDER IV; Cerebellooculorenal syndrome 1. Identifiers: MedGen C4551568, MONDO:0008944, OMIM 213300.
Joubert syndrome. Also called: Familial aplasia of the vermis; JOUBERT-BOLTSHAUSER SYNDROME. Identifiers: Orphanet 475, MedGen C5979921, MONDO:0018772.

Submissions (5):

PreventionGenetics, part of Exact Sciences
Classification: Uncertain significance for INPP5E-related condition. Last evaluated: 2026-04-21. Review status: criteria provided, single submitter. Criteria: ACMG Guidelines, 2015. Collection method: clinical testing. Allele origin: germline.
Comment: The INPP5E c.1649_1651dupGGA variant is predicted to result in an in-frame duplication (p.Arg550dup). To our knowledge, this variant has not been reported in the literature. This variant is reported in 0.010% of alleles in individuals of European (Non-Finnish) descent in gnomAD. At this time, the clinical significance of this variant is uncertain due to the absence of conclusive functional and genetic evidence.

Fulgent Genetics
Classification: Uncertain significance for Joubert syndrome 1; MORM syndrome. Last evaluated: 2024-04-29. Review status: criteria provided, single submitter. Criteria: ACMG Guidelines, 2015. Collection method: clinical testing. Allele origin: germline.

Labcorp Genetics (formerly Invitae), Labcorp
Classification: Uncertain significance for Joubert syndrome. Last evaluated: 2022-10-25. Review status: criteria provided, single submitter. Criteria: Invitae Variant Classification Sherloc (09022015). Collection method: clinical testing. Allele origin: germline.
Comment: This variant, c.1649_1651dup, results in the insertion of 1 amino acid(s) of the INPP5E protein (p.Arg550dup), but otherwise preserves the integrity of the reading frame. This variant is present in population databases (rs778019120, gnomAD 0.01%). This variant has not been reported in the literature in individuals affected with INPP5E-related conditions. ClinVar contains an entry for this variant (Variation ID: 836172). Experimental studies and prediction algorithms are not available or were not evaluated, and the functional significance of this variant is currently unknown. In summary, the available evidence is currently insufficient to determine the role of this variant in disease. Therefore, it has been classified as a Variant of Uncertain Significance.

Blueprint Genetics
Classification: Uncertain significance. Last evaluated: 2022-06-20. Review status: criteria provided, single submitter. Criteria: ACMG Guidelines, 2015. Collection method: clinical testing. Allele origin: germline.

Baylor Genetics
Classification: Uncertain significance for Joubert syndrome 1. Last evaluated: 2018-04-11. Review status: criteria provided, single submitter. Criteria: ACMG Guidelines, 2015. Collection method: clinical testing. Allele origin: maternal. Affected: yes.
Comment: This variant was determined to be of uncertain significance according to ACMG Guidelines, 2015 [PMID:25741868].

NM_019892.6(INPP5E):c.1649_1651dup (p.Arg550dup)

Gene: INPP5E (inositol polyphosphate-5-phosphatase E; minus strand). Cytogenetic location: 9q34.3.
Variant type: Duplication.
Coding change: c.1649_1651dup on transcript NM_019892.6 (MANE Select); coding-DNA positions 1649 to 1651, 3 bases duplicated (GGA; older notation c.1649_1651dupGGA).
Protein change: p.Arg550dup; duplicates arginine 550.
Molecular consequence: inframe insertion.
Genome position (GRCh38, 1-based): chr9:136,431,016-136,431,018, TCC duplicated on the plus strand (GGA on the coding strand, the reverse complement: INPP5E is on the minus strand); duplicating any 3 consecutive bases within chr9:136,431,016-136,431,020 gives the same sequence; the c. name uses the placement nearest the transcript's 3' end. VCF-style (leftmost placement, unchanged base first): chr9-136431015-G-GTCC. GRCh37 (hg19) VCF-style: chr9-139325467-G-GTCC.
Other names: c.1649_1651dupGGA (NM_019892.5, NM_019892.4); c.1646_1648dup, p.Arg549dup (NM_001318502.2).
Identifiers: ClinVar variation 836172 (VCV000836172.11), dbSNP rs778019120, ClinGen allele CA5336706.